The following is an entry in ClinVar:

NM_006939.4(SOS2):c.859-259C>T

Gene: SOS2 (SOS Ras/Rho guanine nucleotide exchange factor 2; minus strand). Cytogenetic location: 14q21.3.
Variant type: single nucleotide variant.
Coding change: c.859-259C>T on transcript NM_006939.4 (MANE Select); 259 bases into the intron before coding-DNA position 859, C replaced by T.
Molecular consequence: intron variant.
Genome position (GRCh38, 1-based): chr14:50,180,941, G>A on the plus strand (C>T on the coding strand, the complement: SOS2 is on the minus strand). VCF-style: chr14-50180941-G-A. GRCh37 (hg19) VCF-style: chr14-50647659-G-A.
Other names: NC_000014.8:g.50647659G>A.
Identifiers: ClinVar variation 561869 (VCV000561869.2), dbSNP rs17715073, ClinGen allele CA13991576.

ClinVar aggregate classification (germline): Benign (1 of 4 stars; one submission).

Allele frequency attached by ClinVar (database versions not stated): 1000 Genomes Project 0.27756; 1000 Genomes Project 30x 0.28310; gnomAD 0.29206; TOPMed 0.32242.
gnomAD v4.1: 46,008 of 151,566 alleles (30%); highest among the groups gnomAD compares: Admixed American, 41%; 7,217 homozygotes.

Submissions (7):

GeneDx
Classification: Benign. Last evaluated: 2018-06-14. Review status: criteria provided, single submitter. Criteria: GeneDx Variant Classification (06012015). Collection method: clinical testing. Allele origin: germline. Affected: yes.
Comment: This variant is considered likely benign or benign based on one or more of the following criteria: it is a conservative change, it occurs at a poorly conserved position in the protein, it is predicted to be benign by multiple in silico algorithms, and/or has population frequency not consistent with disease.

Dr. Peter K. Rogan Lab, Western University
No classification provided (evidence only). Condition: Lung cancer. Review status: no classification provided. Collection method: in vitro. Allele origin: not applicable. Functional consequence: retained intron. Not counted in ClinVar's aggregate classification.

Dr. Peter K. Rogan Lab, Western University
No classification provided (evidence only). Condition: Cervical cancer. Review status: no classification provided. Collection method: in vitro. Allele origin: not applicable. Functional consequence: retained intron. Not counted in ClinVar's aggregate classification.

Dr. Peter K. Rogan Lab, Western University
No classification provided (evidence only). Condition: Thymoma. Review status: no classification provided. Collection method: in vitro. Allele origin: not applicable. Functional consequence: retained intron. Not counted in ClinVar's aggregate classification.

Dr. Peter K. Rogan Lab, Western University
No classification provided (evidence only). Condition: Thymoma. Review status: no classification provided. Collection method: in vitro. Allele origin: not applicable. Functional consequence: retained intron. Not counted in ClinVar's aggregate classification.

Dr. Peter K. Rogan Lab, Western University
No classification provided (evidence only). Condition: Gastric cancer. Review status: no classification provided. Collection method: in vitro. Allele origin: not applicable. Functional consequence: retained intron. Not counted in ClinVar's aggregate classification.

Dr. Peter K. Rogan Lab, Western University
No classification provided (evidence only). Condition: Malignant tumor of esophagus. Review status: no classification provided. Collection method: in vitro. Allele origin: not applicable. Functional consequence: skipped exon. Not counted in ClinVar's aggregate classification.